The following is an entry in ClinVar:

ClinVar aggregate classification (germline): Conflicting classifications of pathogenicity. Review status: criteria provided, conflicting classifications (1 of 4 stars). 2 submissions from 2 submitters: Likely pathogenic (1); Uncertain significance (1). Last evaluated 2025-02-28.

Conditions:
ARID1A-related disorder. Also called: ARID1A-related condition.

gnomAD v4.1: 1 of 1,614,138 alleles (0.000062%); highest among the groups gnomAD compares: Non-Finnish European, 0.000085%; no homozygotes.

Submissions (2):

GeneDx
Classification: Uncertain significance. Last evaluated: 2025-02-28. Review status: criteria provided, single submitter. Criteria: GeneDx Variant Classification Process June 2021. Collection method: clinical testing. Allele origin: germline. Affected: yes.
Comment: Not observed at significant frequency in large population cohorts (gnomAD); In silico analysis indicates that this missense variant does not alter protein structure/function; Has not been previously published as pathogenic or benign to our knowledge

PreventionGenetics, part of Exact Sciences
Classification: Likely pathogenic for ARID1A-related condition. Last evaluated: 2023-05-15. Review status: criteria provided, single submitter. Criteria: ACMG Guidelines, 2015. Collection method: clinical testing. Allele origin: germline.
Comment: The ARID1A c.5758A>G variant is predicted to result in the amino acid substitution p.Ser1920Gly. To our knowledge, this variant has not been reported in the literature or in a large population database, indicating this variant is rare. This variant is interpreted as likely pathogenic.

NM_006015.6(ARID1A):c.5758A>G (p.Ser1920Gly)

Gene: ARID1A (AT-rich interaction domain 1A; plus strand). Cytogenetic location: 1p36.11.
Variant type: single nucleotide variant.
Coding change: c.5758A>G on transcript NM_006015.6 (MANE Select); coding-DNA position 5758, A replaced by G.
Protein change: p.Ser1920Gly; replaces serine 1920 with glycine.
Molecular consequence: missense variant.
Genome position (GRCh38, 1-based): chr1:26,779,656, A>G. VCF-style: chr1-26779656-A-G. GRCh37 (hg19) VCF-style: chr1-27106147-A-G.
Other names: c.5107A>G, p.Ser1703Gly (NM_139135.4); short protein forms S1703G, S1920G.
Identifiers: ClinVar variation 2633770 (VCV002633770.2), dbSNP rs2081172419, ClinGen allele CA339188004.